The following is an entry in ClinVar:

ClinVar aggregate classification (germline): Likely pathogenic (0 of 4 stars; one submission).

Conditions:
Neuronal ceroid lipofuscinosis 1 (CLN1). Also called: CEROID LIPOFUSCINOSIS, NEURONAL, 1, VARIABLE AGE AT ONSET; PPT1-Related Neuronal Ceroid-Lipofuscinosis. Identifiers: Orphanet 228329, MedGen C1850451, MONDO:0009744, OMIM 256730.

Submission:

Juha Muilu Group; Institute for Molecular Medicine Finland (FIMM)
Classification: Likely pathogenic for Ceroid lipofuscinosis neuronal 1. Review status: no assertion criteria provided. Collection method: not provided. Allele origin: unknown.
Comment: FinDis database variant: This variant was not found or characterized by our laboratory, data were collected from public sources: see reference
ClinVar note: Converted during submission from probable-pathogenic to Likely pathogenic.

NM_000310.4(PPT1):c.*526_*529del

Gene: PPT1 (palmitoyl-protein thioesterase 1; minus strand). Cytogenetic location: 1p34.2.
Variant type: Deletion.
Coding change: c.*526_*529del on transcript NM_000310.4 (MANE Select); 526 bases downstream of the stop codon through 529 bases downstream of the stop codon, 4 bases deleted (ATCA; older notation c.*526_*529delATCA).
Molecular consequence: 3 prime UTR variant.
Genome position (GRCh38, 1-based): chr1:40,073,532-40,073,535, TGAT deleted on the plus strand (ATCA on the coding strand, the reverse complement: PPT1 is on the minus strand). VCF-style (leftmost placement, unchanged base first): chr1-40073531-ATGAT-A. GRCh37 (hg19) VCF-style: chr1-40539203-ATGAT-A.
Other names: c.*526_*529del (NM_001142604.2, NM_001363695.2); c.*526_*529delATCA (NM_000310.3).
Identifiers: ClinVar variation 56142 (VCV000056142.2), dbSNP rs386833624, ClinGen allele CA263457.